The following is an entry in ClinVar:

ClinVar aggregate classification (germline): Uncertain significance. Review status: criteria provided, multiple submitters, no conflicts (2 of 4 stars). 2 submissions from 2 submitters: Uncertain significance (2). Last evaluated 2023-10-15.

Conditions:
Juvenile myelomonocytic leukemia (JMML). Also called: LEUKEMIA, JUVENILE MYELOMONOCYTIC, SOMATIC. Identifiers: Orphanet 86834, MedGen C0349639, MONDO:0011908, OMIM 607785, HP:0012209.
Neurofibromatosis, type 1 (NF1). Also called: NEUROFIBROMATOSIS, TYPE I, SOMATIC; Peripheral type neurofibromatosis; VON RECKLINGHAUSEN DISEASE; Neurofibromatosis, type I. Identifiers: Orphanet 636, MedGen C0027831, MONDO:0018975, OMIM 162200. Disease mechanism: loss of function.

Submissions (2):

Baylor Genetics
Classification: Uncertain significance for Juvenile myelomonocytic leukemia. Last evaluated: 2023-10-15. Review status: criteria provided, single submitter. Criteria: ACMG Guidelines, 2015. Collection method: clinical testing. Allele origin: unknown.

Labcorp Genetics (formerly Invitae), Labcorp
Classification: Uncertain significance for Neurofibromatosis, type 1. Last evaluated: 2020-01-01. Review status: criteria provided, single submitter. Criteria: Invitae Variant Classification Sherloc (09022015). Collection method: clinical testing. Allele origin: germline.
Comment: In summary, the available evidence is currently insufficient to determine the role of this variant in disease. Therefore, it has been classified as a Variant of Uncertain Significance. Algorithms developed to predict the effect of missense changes on protein structure and function are either unavailable or do not agree on the potential impact of this missense change (SIFT: "Deleterious"; PolyPhen-2: "Probably Damaging"; Align-GVGD: "Class C0"). This variant has been observed in individual(s) with clinical features of neurofibromatosis type 1 (PMID: 23656349, 31370276). This variant is not present in population databases (ExAC no frequency). This sequence change replaces leucine with proline at codon 2112 of the NF1 protein (p.Leu2112Pro). The leucine residue is highly conserved and there is a moderate physicochemical difference between leucine and proline.

Literature cited by the submitters: PubMed 23656349 (cited by Labcorp Genetics (formerly Invitae), Labcorp); PubMed 31370276 (cited by Labcorp Genetics (formerly Invitae), Labcorp).

NM_001042492.3(NF1):c.6398T>C (p.Leu2133Pro)

Gene: NF1 (neurofibromin 1; plus strand). Cytogenetic location: 17q11.2.
Variant type: single nucleotide variant.
Coding change: c.6398T>C on transcript NM_001042492.3 (MANE Select); coding-DNA position 6398, T replaced by C.
Protein change: p.Leu2133Pro; replaces leucine 2133 with proline.
Molecular consequence: missense variant.
Genome position (GRCh38, 1-based): chr17:31,336,885, T>C. VCF-style: chr17-31336885-T-C. GRCh37 (hg19) VCF-style: chr17-29663903-T-C.
Other names: c.6335T>C, p.Leu2112Pro (NM_000267.4); short protein forms L2112P, L2133P.
Identifiers: ClinVar variation 1002112 (VCV001002112.6), dbSNP rs2069690617, ClinGen allele CA399012905.